The following is an entry in ClinVar:

NM_003632.3(CNTNAP1):c.1313G>A (p.Arg438Gln)

Gene: CNTNAP1 (contactin associated protein 1; plus strand). Cytogenetic location: 17q21.2.
Variant type: single nucleotide variant.
Coding change: c.1313G>A on transcript NM_003632.3 (MANE Select); coding-DNA position 1313, G replaced by A.
Protein change: p.Arg438Gln; replaces arginine 438 with glutamine.
Molecular consequence: missense variant.
Genome position (GRCh38, 1-based): chr17:42,688,468, G>A. VCF-style: chr17-42688468-G-A. GRCh37 (hg19) VCF-style: chr17-40840486-G-A.
Other names: p.Arg438Gln; c.1313G>A (NM_003632.2); short protein forms R438Q.
Identifiers: ClinVar variation 1906161 (VCV001906161.9), dbSNP rs746268826, ClinGen allele CA8581767.

ClinVar aggregate classification (germline): Uncertain significance. Review status: criteria provided, multiple submitters, no conflicts (2 of 4 stars). 3 submissions from 3 submitters: Uncertain significance (3). Last evaluated 2025-10-07.

Conditions:
Inborn genetic diseases. Identifiers: MedGen C0950123, MeSH D030342.

Allele frequency attached by ClinVar (database versions not stated): ExAC 0.00002.
gnomAD v4.1: 64 of 1,614,080 alleles (0.004%); highest among the groups gnomAD compares: African/African-American, 0.0093%; no homozygotes.

Submissions (3):

Mayo Clinic Laboratories, Mayo Clinic
Classification: Uncertain significance. Last evaluated: 2025-10-07. Review status: criteria provided, single submitter. Criteria: ACMG Guidelines, 2015. Collection method: clinical testing. Allele origin: germline. Observed: 1 variant allele.

Ambry Genetics
Classification: Uncertain significance for Inborn genetic diseases. Last evaluated: 2025-07-14. Review status: criteria provided, single submitter. Criteria: Ambry Variant Classification Scheme 2023. Collection method: clinical testing. Allele origin: germline.

Labcorp Genetics (formerly Invitae), Labcorp
Classification: Uncertain significance. Last evaluated: 2022-01-07. Review status: criteria provided, single submitter. Criteria: Invitae Variant Classification Sherloc (09022015). Collection method: clinical testing. Allele origin: germline.
Comment: In summary, the available evidence is currently insufficient to determine the role of this variant in disease. Therefore, it has been classified as a Variant of Uncertain Significance. Algorithms developed to predict the effect of missense changes on protein structure and function are either unavailable or do not agree on the potential impact of this missense change (SIFT: "Tolerated"; PolyPhen-2: "Probably Damaging"; Align-GVGD: "Class C0"). This variant has not been reported in the literature in individuals affected with CNTNAP1-related conditions. This variant is present in population databases (rs746268826, gnomAD 0.004%). This sequence change replaces arginine, which is basic and polar, with glutamine, which is neutral and polar, at codon 438 of the CNTNAP1 protein (p.Arg438Gln).